The following is an entry in ClinVar:

ClinVar aggregate classification (germline): Uncertain significance (1 of 4 stars; one submission).

Allele frequency attached by ClinVar (database versions not stated): TOPMed 0.00001.
gnomAD v4.1: 12 of 1,613,586 alleles (0.00074%); no homozygotes.

Submission:

Labcorp Genetics (formerly Invitae), Labcorp
Classification: Uncertain significance. Last evaluated: 2021-08-20. Review status: criteria provided, single submitter. Criteria: Invitae Variant Classification Sherloc (09022015). Collection method: clinical testing. Allele origin: germline.
Comment: Algorithms developed to predict the effect of missense changes on protein structure and function (SIFT, PolyPhen-2, Align-GVGD) all suggest that this variant is likely to be disruptive. In summary, the available evidence is currently insufficient to determine the role of this variant in disease. Therefore, it has been classified as a Variant of Uncertain Significance. This sequence change replaces glycine with arginine at codon 195 of the C2 protein (p.Gly195Arg). The glycine residue is highly conserved and there is a moderate physicochemical difference between glycine and arginine. This variant is not present in population databases (ExAC no frequency). This variant has not been reported in the literature in individuals affected with C2-related conditions.

NM_000063.6(C2):c.583G>C (p.Gly195Arg)

Gene: C2 (complement C2; plus strand). Cytogenetic location: 6p21.33.
Variant type: single nucleotide variant.
Coding change: c.583G>C on transcript NM_000063.6 (MANE Select); coding-DNA position 583, G replaced by C.
Protein change: p.Gly195Arg; replaces glycine 195 with arginine.
Molecular consequence: missense variant. On other transcripts: synonymous variant (1).
Genome position (GRCh38, 1-based): chr6:31,933,750, G>C. VCF-style: chr6-31933750-G-C. GRCh37 (hg19) VCF-style: chr6-31901527-G-C.
Other names: c.187G>C, p.Gly63Arg (NM_001145903.3); c.214G>C, p.Gly72Arg (NM_001178063.3); c.78G>C, p.Thr26= (NM_001282457.2); c.496G>C, p.Gly166Arg (NM_001282458.2); c.583G>C, p.Gly195Arg (NM_001282459.2); short protein forms G166R, G63R, G72R, G195R.
Identifiers: ClinVar variation 1374440 (VCV001374440.6), dbSNP rs1464680465, ClinGen allele CA363496510.